The following is an entry in ClinVar:

ClinVar aggregate classification (germline): association (1 of 4 stars; one submission).

Conditions:
Increased histidine. Identifiers: MedGen C1291163.

Allele frequency attached by ClinVar (database versions not stated): gnomAD 0.00013 and 0.00015; gnomAD exomes 0.00020 and 0.00026; ExAC 0.00023; TOPMed 0.00023; ESP Exome Variant Server 0.00046.
gnomAD v4.1: 358 of 1,467,544 alleles (0.024%); highest among the groups gnomAD compares: Non-Finnish European, 0.032%; no homozygotes.

Submission:

Lupski Lab, Baylor-Hopkins CMG, Baylor College of Medicine
Classification: association for Increased histidine. Last evaluated: 2015-11-15. Review status: criteria provided, single submitter. Criteria: Yu et al. (Circ Cardiovasc Genet. 2015). Collection method: research. Allele origin: germline. Affected: yes. Observed: 1 variant allele, 1 heterozygote.
Comment: Three heterozygous loss-of-function variants in HAL were found in 24/1152 African American individuals, in association with elevated serum histidine levels. Histidine level is a potential predictor of cardiovascular risk. Thus, loss-of-function variants in HAL may modify cardiovascular risk. Findings were replicated in a European American cohort.

Literature cited by the submitters: PubMed 15173056; PubMed 23361591.

NM_002108.4(HAL):c.1287+2T>C

Gene: HAL (histidine ammonia-lyase; minus strand). Cytogenetic location: 12q23.1.
Variant type: single nucleotide variant.
Coding change: c.1287+2T>C on transcript NM_002108.4 (MANE Select); the canonical splice donor site of the intron after coding-DNA position 1287, T replaced by C.
Molecular consequence: splice donor variant.
Genome position (GRCh38, 1-based): chr12:95,983,909, A>G on the plus strand (T>C on the coding strand, the complement: HAL is on the minus strand). VCF-style: chr12-95983909-A-G. GRCh37 (hg19) VCF-style: chr12-96377687-A-G.
Other names: c.663+2T>C (NM_001258333.2); c.1287+2T>C (NM_001258334.2).
Identifiers: ClinVar variation 225880 (VCV000225880.5), dbSNP rs141634423, ClinGen allele CA6727642.
Genomic context (GRCh38, chr12:95,983,909, plus strand): 5'-TAGATCCTAAAATTACCAGCTGCAATTCTATAATTGCAGGTTAGTATACAATCAAAAGAT[A>G]CAGGATTATCTGTTGCGCTGTTCAGTTCTGTGGTAATGATGTTCTTCACAAATGCTATTG-3'